The following is an entry in ClinVar:

ClinVar aggregate classification (germline): Likely benign. Review status: criteria provided, multiple submitters, no conflicts (2 of 4 stars). 7 submissions from 7 submitters: Likely benign (6). 1 of the submissions does not count toward it. Last evaluated 2026-09-01.

Conditions:
TRIOBP-related disorder. Also called: TRIOBP-related condition.
Inborn genetic diseases. Identifiers: MedGen C0950123, MeSH D030342.

Allele frequency attached by ClinVar (database versions not stated): gnomAD exomes 0.00122; 1000 Genomes Project 0.00040; ESP Exome Variant Server 0.00075; gnomAD 0.00119 and 0.00129; TOPMed 0.00121; ExAC 0.00189; 1000 Genomes Project 30x 0.00062.
gnomAD v4.1: 1,879 of 1,571,342 alleles (0.12%); highest among the groups gnomAD compares: Middle Eastern, 0.32%; 2 homozygotes.

Submissions (7):

CeGaT Center for Human Genetics Tuebingen
Classification: Likely benign. Last evaluated: 2026-09-01. Review status: criteria provided, single submitter. Criteria: CeGaT Center For Human Genetics Tuebingen Variant Classification Criteria Version 2. Collection method: clinical testing. Allele origin: germline. Affected: yes. Observed: 7 variant alleles.
Comment: TRIOBP: BP4

Ambry Genetics
Classification: Likely benign for Inborn genetic diseases. Last evaluated: 2026-02-10. Review status: criteria provided, single submitter. Criteria: Ambry Variant Classification Scheme 2023. Collection method: clinical testing. Allele origin: germline.

Labcorp Genetics (formerly Invitae), Labcorp
Classification: Likely benign. Last evaluated: 2025-12-13. Review status: criteria provided, single submitter. Criteria: Invitae Variant Classification Sherloc (09022015). Collection method: clinical testing. Allele origin: germline.

Blueprint Genetics
Classification: Likely benign. Last evaluated: 2024-11-13. Review status: criteria provided, single submitter. Criteria: ACMG Guidelines, 2015. Collection method: clinical testing. Allele origin: germline.

GeneDx
Classification: Likely benign. Last evaluated: 2020-10-19. Review status: criteria provided, single submitter. Criteria: GeneDx Variant Classification Process June 2021. Collection method: clinical testing. Allele origin: germline. Affected: yes.
Comment: This variant is associated with the following publications: (PMID: 16385458, 16385457, 27344577, 24853665)

Laboratory for Molecular Medicine, Mass General Brigham Personalized Medicine
Classification: Likely benign. Last evaluated: 2013-01-30. Review status: criteria provided, single submitter. Criteria: LMM Criteria. Collection method: clinical testing. Allele origin: germline. Observed: 7 variant alleles.
Comment: p.Leu1742Phe in exon 11 of TRIOBP: This variant is not expected to have clinical significance due to a lack of conservation across species, including mammals. O f note, the hedgehog, bushbaby and lesser Egyptian jerboa have a phenylalanine ( Phe) at this position despite high nearby amino acid conservation. In addition, this variant has been identified in 0.3% (37/11400) of European chromosomes by t he Exome Aggregation Consortium (ExAC; dbSNP rs2 00493962).

PreventionGenetics, part of Exact Sciences
Classification: Likely benign for TRIOBP-related condition. Last evaluated: 2022-09-27. Review status: no assertion criteria provided. Collection method: clinical testing. Allele origin: germline. Not counted in ClinVar's aggregate classification.
Comment: This variant is classified as likely benign based on ACMG/AMP sequence variant interpretation guidelines (Richards et al. 2015 PMID: 25741868, with internal and published modifications).

NM_001039141.3(TRIOBP):c.5224C>T (p.Leu1742Phe)

Gene: TRIOBP (TRIO and F-actin binding protein; plus strand). Cytogenetic location: 22q13.1.
Variant type: single nucleotide variant.
Coding change: c.5224C>T on transcript NM_001039141.3 (MANE Select); coding-DNA position 5224, C replaced by T.
Protein change: p.Leu1742Phe; replaces leucine 1742 with phenylalanine.
Molecular consequence: missense variant.
Genome position (GRCh38, 1-based): chr22:37,740,934, C>T. VCF-style: chr22-37740934-C-T. GRCh37 (hg19) VCF-style: chr22-38136941-C-T.
Other names: short protein forms L1742F.
Identifiers: ClinVar variation 43859 (VCV000043859.51), dbSNP rs200493962, ClinGen allele CA133042.